The following is an entry in ClinVar:

NM_001083961.2(WDR62):c.1233+7C>G

Gene: WDR62 (WD repeat domain 62; plus strand). Cytogenetic location: 19q13.12.
Variant type: single nucleotide variant.
Coding change: c.1233+7C>G on transcript NM_001083961.2 (MANE Select); 7 bases into the intron after coding-DNA position 1233, C replaced by G.
Molecular consequence: intron variant.
Genome position (GRCh38, 1-based): chr19:36,073,538, C>G. VCF-style: chr19-36073538-C-G. GRCh37 (hg19) VCF-style: chr19-36564440-C-G.
Other names: c.1233+7C>G (NM_173636.5).
Identifiers: ClinVar variation 167849 (VCV000167849.58), dbSNP rs537771936, ClinGen allele CA235271.

ClinVar aggregate classification (germline): Conflicting classifications of pathogenicity. Review status: criteria provided, conflicting classifications (1 of 4 stars). 6 submissions from 6 submitters: Uncertain significance (3); Benign (1); Likely benign (1). 1 of the submissions does not count toward it. Last evaluated 2024-06-07.

Conditions:
WDR62-related disorder. Also called: WDR62-related condition.
Microcephaly 2, primary, autosomal recessive, with or without cortical malformations. Also called: WDR62 Primary Microcephaly; MICROCEPHALY 2, PRIMARY, AUTOSOMAL RECESSIVE, WITH CORTICAL MALFORMATIONS. Identifiers: Orphanet 2512, MedGen C1858535, MONDO:0011435, OMIM 604317.

Allele frequency attached by ClinVar (database versions not stated): TOPMed 0.00013; gnomAD 0.00017; 1000 Genomes Project 0.00020; 1000 Genomes Project 30x 0.00062.
gnomAD v4.1: 251 of 1,097,322 alleles (0.023%); highest among the groups gnomAD compares: South Asian, 0.025%; 1 homozygote.

Submissions (6):

Blueprint Genetics
Classification: Likely benign. Last evaluated: 2024-06-07. Review status: criteria provided, single submitter. Criteria: ACMG Guidelines, 2015. Collection method: clinical testing. Allele origin: germline.

Labcorp Genetics (formerly Invitae), Labcorp
Classification: Benign. Last evaluated: 2024-04-25. Review status: criteria provided, single submitter. Criteria: Invitae Variant Classification Sherloc (09022015). Collection method: clinical testing. Allele origin: germline.

CeGaT Center for Human Genetics Tuebingen
Classification: Uncertain significance. Last evaluated: 2018-07-01. Review status: criteria provided, single submitter. Criteria: CeGaT Center For Human Genetics Tuebingen Variant Classification Criteria Version 2. Collection method: clinical testing. Allele origin: germline. Affected: yes. Observed: 1 variant allele.

Illumina Laboratory Services, Illumina
Classification: Uncertain significance for Microcephaly 2, primary, autosomal recessive, with or without cortical malformations. Last evaluated: 2018-01-13. Review status: criteria provided, single submitter. Criteria: ICSL Variant Classification Criteria 13 December 2019. Collection method: clinical testing. Allele origin: germline.

Eurofins Ntd Llc (ga)
Classification: Uncertain significance. Last evaluated: 2014-01-27. Review status: criteria provided, single submitter. Criteria: EGL Classification Definitions 2015. Collection method: clinical testing. Allele origin: germline. Observed: 1 variant allele, 1 heterozygote.

PreventionGenetics, part of Exact Sciences
Classification: Likely benign for WDR62-related condition. Last evaluated: 2023-09-16. Review status: no assertion criteria provided. Collection method: clinical testing. Allele origin: germline. Not counted in ClinVar's aggregate classification.
Comment: This variant is classified as likely benign based on ACMG/AMP sequence variant interpretation guidelines (Richards et al. 2015 PMID: 25741868, with internal and published modifications).